The following is an entry in ClinVar:

ClinVar aggregate classification (germline): Uncertain significance. Review status: criteria provided, single submitter (1 of 4 stars). 2 submissions from 2 submitters: Uncertain significance (1). 1 of the submissions does not count toward it. Last evaluated 2024-10-21.

Conditions:
TNC-related disorder. Also called: TNC-related condition.

Allele frequency attached by ClinVar (database versions not stated): ESP Exome Variant Server 0.00008.
gnomAD v4.1: 72 of 1,613,962 alleles (0.0045%); highest among the groups gnomAD compares: Admixed American, 0.055%; no homozygotes.

Submissions (2):

Ambry Genetics
Classification: Uncertain significance. Last evaluated: 2024-10-21. Review status: criteria provided, single submitter. Criteria: Ambry Variant Classification Scheme 2023. Collection method: clinical testing. Allele origin: germline.

PreventionGenetics, part of Exact Sciences
Classification: Likely benign for TNC-related condition. Last evaluated: 2023-08-24. Review status: no assertion criteria provided. Collection method: clinical testing. Allele origin: germline. Not counted in ClinVar's aggregate classification.
Comment: This variant is classified as likely benign based on ACMG/AMP sequence variant interpretation guidelines (Richards et al. 2015 PMID: 25741868, with internal and published modifications).

NM_002160.4(TNC):c.3926G>A (p.Arg1309His)

Gene: TNC (tenascin C; minus strand). Cytogenetic location: 9q33.1.
Variant type: single nucleotide variant.
Coding change: c.3926G>A on transcript NM_002160.4 (MANE Select); coding-DNA position 3926, G replaced by A.
Protein change: p.Arg1309His; replaces arginine 1309 with histidine.
Molecular consequence: missense variant. On other transcripts: intron variant (1).
Genome position (GRCh38, 1-based): chr9:115,063,024, C>T on the plus strand (G>A on the coding strand, the complement: TNC is on the minus strand). VCF-style: chr9-115063024-C-T. GRCh37 (hg19) VCF-style: chr9-117825303-C-T.
Other names: c.3760+772G>A (NM_001410991.1); short protein forms R1309H.
Identifiers: ClinVar variation 3031013 (VCV003031013.3), dbSNP rs201628545, ClinGen allele CA5208087.
Genomic context (GRCh38, chr9:115,063,024, plus strand): 5'-TCGCCGTGCAGGGTGACTGTGTAAGGAGTGCCAGCCCTGAGGCCTGGGATTTCCATGGAA[C>T]GCAGGCTGCCAGGAACCGTGAGATTGTGAGCCTCTTCCACCTGGTCAGCCTCCTGGACCT-3'
Protein context (NP_002151.2, residues 1299-1319): AHNLTVPGSL[Arg1309His]SMEIPGLRAG